The following is an entry in ClinVar:

ClinVar aggregate classification (germline): Uncertain significance. Review status: criteria provided, multiple submitters, no conflicts (2 of 4 stars). 4 submissions from 4 submitters: Uncertain significance (3). 1 of the submissions does not count toward it. Last evaluated 2025-12-16.

Conditions:
Muscular dystrophy-dystroglycanopathy (congenital with brain and eye anomalies), type A2. Also called: WALKER-WARBURG SYNDROME OR MUSCLE-EYE-BRAIN DISEASE, POMT2-RELATED; MUSCULAR DYSTROPHY-DYSTROGLYCANOPATHY (CONGENITAL WITH BRAIN AND EYE ANOMALIES), TYPE A, 2. Identifiers: Orphanet 588, Orphanet 899, MedGen C3150411, MONDO:0013154, OMIM 613150.
Muscular dystrophy-dystroglycanopathy (congenital with impaired intellectual development), type B, 2. Also called: MUSCULAR DYSTROPHY, CONGENITAL, POMT2-RELATED; Muscular dystrophy-dystroglycanopathy (congenital with intellectual disability), type B2. Identifiers: MedGen C3150416, MONDO:0013160, OMIM 613156.
Autosomal recessive limb-girdle muscular dystrophy type 2N. Also called: Muscular dystrophy-dystroglycanopathy (limb-girdle), type C, 2; MUSCULAR DYSTROPHY-DYSTROGLYCANOPATHY, LIMB-GIRDLE, POMT2-RELATED. Identifiers: Orphanet 206559, MedGen C3150418, MONDO:0013162, OMIM 613158.

Allele frequency attached by ClinVar (database versions not stated): gnomAD 0.00001; gnomAD exomes below 0.00001 and 0.00001; TOPMed below 0.00001.
gnomAD v4.1: 14 of 1,613,904 alleles (0.00087%); highest among the groups gnomAD compares: Non-Finnish European, 0.0012%; no homozygotes.

Submissions (4):

Women's Health and Genetics/Laboratory Corporation of America, LabCorp
Classification: Uncertain significance. Last evaluated: 2025-12-16. Review status: criteria provided, single submitter. Criteria: LabCorp Variant Classification Summary - May 2015. Collection method: clinical testing. Allele origin: germline.
Comment: Variant summary: POMT2 c.593T>A (p.Ile198Asn) results in a non-conservative amino acid change in the encoded protein sequence. Algorithms developed to predict the effect of missense changes on protein structure and function all suggest that this variant is likely to be disruptive. The variant allele was found at a frequency of 4e-06 in 251148 control chromosomes. c.593T>A has been observed in individual(s) affected with Muscle-Eye-Brain/Fukuyama Congenital Muscular Dystrophy (example: Godfrey_2007). These data indicate that the variant may be associated with disease. To our knowledge, no experimental evidence demonstrating an impact on protein function has been reported. The following publication has been ascertained in the context of this evaluation (PMID: 17878207). ClinVar contains an entry for this variant (Variation ID: 3227). Based on the evidence outlined above, the variant was classified as VUS-possibly pathogenic.

Labcorp Genetics (formerly Invitae), Labcorp
Classification: Uncertain significance for Muscular dystrophy-dystroglycanopathy (congenital with impaired intellectual development), type B, 2; Muscular dystrophy-dystroglycanopathy (congenital with brain and eye anomalies), type A2; Autosomal recessive limb-girdle muscular dystrophy type 2N. Last evaluated: 2023-05-15. Review status: criteria provided, single submitter. Criteria: Invitae Variant Classification Sherloc (09022015). Collection method: clinical testing. Allele origin: germline.
Comment: In summary, the available evidence is currently insufficient to determine the role of this variant in disease. Therefore, it has been classified as a Variant of Uncertain Significance. Advanced modeling of protein sequence and biophysical properties (such as structural, functional, and spatial information, amino acid conservation, physicochemical variation, residue mobility, and thermodynamic stability) has been performed at Invitae for this missense variant, however the output from this modeling did not meet the statistical confidence thresholds required to predict the impact of this variant on POMT2 protein function. ClinVar contains an entry for this variant (Variation ID: 3227). This missense change has been observed in individual(s) with POMT2-related conditions (PMID: 17878207). This variant is present in population databases (rs267606972, gnomAD 0.0009%). This sequence change replaces isoleucine, which is neutral and non-polar, with asparagine, which is neutral and polar, at codon 198 of the POMT2 protein (p.Ile198Asn).

Eurofins Ntd Llc (ga)
Classification: Uncertain significance. Last evaluated: 2018-03-23. Review status: criteria provided, single submitter. Criteria: EGL ClinVar v180209 classification definitions. Collection method: clinical testing. Allele origin: germline. Observed: 1 variant allele, 1 heterozygote.

OMIM
Classification: Pathogenic for MUSCULAR DYSTROPHY-DYSTROGLYCANOPATHY (CONGENITAL WITH BRAIN AND EYE ANOMALIES), TYPE A, 2. Last evaluated: 2007-10-01. Review status: no assertion criteria provided. Collection method: literature only. Allele origin: germline. Not counted in ClinVar's aggregate classification.

Literature cited by the submitters: PubMed 17878207 (cited by 3 submitters).

NM_013382.7(POMT2):c.593T>A (p.Ile198Asn)

Gene: POMT2 (protein O-mannosyltransferase 2; minus strand). Cytogenetic location: 14q24.3.
Variant type: single nucleotide variant.
Coding change: c.593T>A on transcript NM_013382.7 (MANE Select); coding-DNA position 593, T replaced by A.
Protein change: p.Ile198Asn; replaces isoleucine 198 with asparagine.
Molecular consequence: missense variant.
Genome position (GRCh38, 1-based): chr14:77,302,898, A>T on the plus strand (T>A on the coding strand, the complement: POMT2 is on the minus strand). VCF-style: chr14-77302898-A-T. GRCh37 (hg19) VCF-style: chr14-77769241-A-T.
Other names: short protein forms I198N.
Identifiers: ClinVar variation 3227 (VCV000003227.14), dbSNP rs267606972, ClinGen allele CA252635.
Genomic context (GRCh38, chr14:77,302,898, plus strand): 5'-TCGGCGCAAGAGTTGTACTTGACCATGCTCAGCATGGCAGCCATGATGAAGAACATCAGG[A>T]TGGGGTCAAGGAGGATGTACTGGGACAGAGTGAGGCATCCCGTGTCTGAAAAACATGAGC-3'
Protein context (NP_037514.2, residues 188-208): TLSQYILLDP[Ile198Asn]LMFFIMAAML